The following is an entry in ClinVar:

ClinVar aggregate classification (germline): Pathogenic. Review status: criteria provided, multiple submitters, no conflicts (2 of 4 stars). 2 submissions from 2 submitters: Pathogenic (2). Last evaluated 2024-01-29.

Conditions:
Wilson disease (WND). Also called: Wilson's disease. Identifiers: Orphanet 905, MedGen C0019202, MONDO:0010200, OMIM 277900. Disease mechanism: loss of function.

Submissions (2):

Labcorp Genetics (formerly Invitae), Labcorp
Classification: Pathogenic for Wilson disease. Last evaluated: 2024-01-29. Review status: criteria provided, single submitter. Criteria: Invitae Variant Classification Sherloc (09022015). Collection method: clinical testing. Allele origin: germline.
Comment: This sequence change creates a premature translational stop signal (p.Cys370Serfs*12) in the ATP7B gene. It is expected to result in an absent or disrupted protein product. Loss-of-function variants in ATP7B are known to be pathogenic (PMID: 10441329, 16283883). This variant is not present in population databases (gnomAD no frequency). This variant has not been reported in the literature in individuals affected with ATP7B-related conditions. ClinVar contains an entry for this variant (Variation ID: 1073713). For these reasons, this variant has been classified as Pathogenic.

Genome-Nilou Lab
Classification: Pathogenic for Wilson disease. Last evaluated: 2021-08-10. Review status: criteria provided, single submitter. Criteria: ACMG Guidelines, 2015. Collection method: clinical testing. Allele origin: germline. Affected: no.

Literature cited by the submitters: PubMed 10441329 (cited by Labcorp Genetics (formerly Invitae), Labcorp); PubMed 16283883 (cited by Labcorp Genetics (formerly Invitae), Labcorp).

NM_000053.4(ATP7B):c.1107_1108dup (p.Cys370fs)

Gene: ATP7B (ATPase copper transporting beta; minus strand). Cytogenetic location: 13q14.3.
Variant type: Duplication.
Coding change: c.1107_1108dup on transcript NM_000053.4 (MANE Select); coding-DNA positions 1107 to 1108, 2 bases duplicated (CT; older notation c.1107_1108dupCT).
Protein change: p.Cys370fs; shifts the reading frame from cysteine 370.
Molecular consequence: frameshift variant. On other transcripts: intron variant (1).
Genome position (GRCh38, 1-based): chr13:51,974,112-51,974,113, AG duplicated on the plus strand (CT on the coding strand, the reverse complement: ATP7B is on the minus strand). VCF-style (leftmost placement, unchanged base first): chr13-51974111-C-CAG. GRCh37 (hg19) VCF-style: chr13-52548247-C-CAG.
Other names: c.1107_1108dup, p.Cys370fs (NM_001005918.3, NM_001330578.2, NM_001330579.2); c.803-29_803-28dup (NM_001243182.2); short protein forms C370fs.
Identifiers: ClinVar variation 1073713 (VCV001073713.9), dbSNP rs2140073366, ClinGen allele CA2499222501.